The following is an entry in ClinVar:

ClinVar aggregate classification (germline): Uncertain significance. Review status: criteria provided, multiple submitters, no conflicts (2 of 4 stars). 4 submissions from 4 submitters: Uncertain significance (3). 1 of the submissions does not count toward it. Last evaluated 2026-01-24.

Conditions:
Severe combined immunodeficiency, autosomal recessive, T cell-negative, B cell-negative, NK cell-negative, due to adenosine deaminase deficiency. Also called: ADA deficiency; Adenosine deaminase deficient severe combined immunodeficiency; Severe combined immunodeficiency due to ADA deficiency; ADA-SCID; SCID DUE TO ADA DEFICIENCY; SCID DUE TO ADA DEFICIENCY, EARLY-ONSET. Identifiers: Orphanet 277, MedGen C0392607, MONDO:0007064, OMIM 102700.

Allele frequency attached by ClinVar (database versions not stated): gnomAD exomes 0.00001 and 0.00002; ExAC 0.00003; TOPMed 0.00003; 1000 Genomes Project 0.00020; 1000 Genomes Project 30x 0.00031.
gnomAD v4.1: 28 of 1,614,258 alleles (0.0017%); highest among the groups gnomAD compares: East Asian, 0.022%; no homozygotes.

Submissions (4):

Labcorp Genetics (formerly Invitae), Labcorp
Classification: Uncertain significance for Severe combined immunodeficiency, autosomal recessive, T cell-negative, B cell-negative, NK cell-negative, due to adenosine deaminase deficiency. Last evaluated: 2026-01-24. Review status: criteria provided, single submitter. Criteria: Invitae Variant Classification Sherloc (09022015). Collection method: clinical testing. Allele origin: germline.
Comment: This sequence change replaces glutamic acid, which is acidic and polar, with aspartic acid, which is acidic and polar, at codon 277 of the ADA protein (p.Glu277Asp). This variant is present in population databases (rs542229902, gnomAD 0.04%). This variant has not been reported in the literature in individuals affected with ADA-related conditions. ClinVar contains an entry for this variant (Variation ID: 536184). Invitae Evidence Modeling of protein sequence and biophysical properties (such as structural, functional, and spatial information, amino acid conservation, physicochemical variation, residue mobility, and thermodynamic stability) indicates that this missense variant is not expected to disrupt ADA protein function with a negative predictive value of 80%. In summary, the available evidence is currently insufficient to determine the role of this variant in disease. Therefore, it has been classified as a Variant of Uncertain Significance.

Genome-Nilou Lab
Classification: Uncertain significance for Severe combined immunodeficiency, autosomal recessive, T cell-negative, B cell-negative, NK cell-negative, due to adenosine deaminase deficiency. Last evaluated: 2021-09-05. Review status: criteria provided, single submitter. Criteria: ACMG Guidelines, 2015. Collection method: clinical testing. Allele origin: germline. Affected: no.

Center for Genomics, Ann and Robert H. Lurie Children's Hospital of Chicago
Classification: Uncertain significance for Severe combined immunodeficiency, autosomal recessive, T cell-negative, B cell-negative, NK cell-negative, due to adenosine deaminase deficiency. Last evaluated: 2021-03-30. Review status: criteria provided, single submitter. Criteria: ACMG Guidelines, 2015. Collection method: clinical testing. Allele origin: germline.
Comment: ADA NM_000022.3 exon 9 p.Glu277Asp (c.831G>T): This variant has not been reported in the literature but is present in 7/18870 East Asian alleles in the Genome Aggregation Database. Evolutionary conservation and computational predictive tools suggest that this variant may not impact the protein. In summary, data on this variant is insufficient for disease classification. Therefore, the clinical significance of this variant is uncertain.

Natera, Inc.
Classification: Uncertain significance for Severe combined immunodeficiency due to ADA deficiency. Last evaluated: 2020-09-16. Review status: no assertion criteria provided. Collection method: clinical testing. Allele origin: germline. Not counted in ClinVar's aggregate classification.

NM_000022.4(ADA):c.831G>T (p.Glu277Asp)

Gene: ADA (adenosine deaminase; minus strand). Cytogenetic location: 20q13.12.
Variant type: single nucleotide variant.
Coding change: c.831G>T on transcript NM_000022.4 (MANE Select); coding-DNA position 831, G replaced by T.
Protein change: p.Glu277Asp; replaces glutamic acid 277 with aspartic acid.
Molecular consequence: missense variant.
Genome position (GRCh38, 1-based): chr20:44,622,602, C>A on the plus strand (G>T on the coding strand, the complement: ADA is on the minus strand). VCF-style: chr20-44622602-C-A. GRCh37 (hg19) VCF-style: chr20-43251243-C-A.
Other names: c.426G>T, p.Glu142Asp (NM_001322050.2); c.759G>T, p.Glu253Asp (NM_001322051.2); short protein forms E277D, E253D, E142D.
Identifiers: ClinVar variation 536184 (VCV000536184.10), dbSNP rs542229902, ClinGen allele CA9871499.